The following is an entry in ClinVar:

NM_000186.4(CFH):c.3050C>T (p.Thr1017Ile)

Gene: CFH (complement factor H; plus strand). Cytogenetic location: 1q31.3.
Variant type: single nucleotide variant.
Coding change: c.3050C>T on transcript NM_000186.4 (MANE Select); coding-DNA position 3050, C replaced by T.
Protein change: p.Thr1017Ile; replaces threonine 1017 with isoleucine.
Molecular consequence: missense variant.
Genome position (GRCh38, 1-based): chr1:196,741,968, C>T. VCF-style: chr1-196741968-C-T. GRCh37 (hg19) VCF-style: chr1-196711098-C-T.
Other names: p.Thr1017Ile; short protein forms T1017I.
Identifiers: ClinVar variation 294515 (VCV000294515.29), dbSNP rs34362004, ClinGen allele CA1305815.

ClinVar aggregate classification (germline): Benign/Likely benign. Review status: criteria provided, multiple submitters, no conflicts (2 of 4 stars). 17 submissions from 11 submitters: Benign (6); Likely benign (8). 3 of the submissions do not count toward it. Last evaluated 2026-05-01.

Conditions:
Age related macular degeneration 4. Identifiers: MedGen C1853147, MONDO:0012540, OMIM 610698.
Factor H deficiency (CFHD). Also called: CFH DEFICIENCY; COMPLEMENT FACTOR H DEFICIENCY. Identifiers: Orphanet 200421, MedGen C0398777, MONDO:0012350, OMIM 609814.
Basal laminar drusen. Also called: DRUSEN OF BRUCH MEMBRANE; DRUSEN, CUTICULAR; DRUSEN, EARLY ADULT-ONSET, GROUPED. Identifiers: Orphanet 75376, MedGen C0730295, MONDO:0007472, OMIM 126700.
Atypical hemolytic-uremic syndrome. Identifiers: Orphanet 2134, MedGen C2931788, MONDO:0016244.
CFH-related disorder. Also called: CFH-related condition; CFH-related disorders.
CFH-Related Dense Deposit Disease / Membranoproliferative Glomerulonephritis Type II. Identifiers: MedGen CN071292.
Hemolytic uremic syndrome, atypical, susceptibility to, 1. Also called: AHUS, SUSCEPTIBILITY TO, 1. Identifiers: Orphanet 2134, Orphanet 90038, MedGen C2749604, MONDO:0009335, OMIM 235400. Disease mechanism: Other.

Allele frequency attached by ClinVar (database versions not stated): gnomAD exomes 0.00099; ExAC 0.00115; 1000 Genomes Project 30x 0.00281; 1000 Genomes Project 0.00300; gnomAD 0.00395 and 0.00426; TOPMed 0.00442; ESP Exome Variant Server 0.00515.
gnomAD v4.1: 1,109 of 1,614,172 alleles (0.069%); highest among the groups gnomAD compares: African/African-American, 1.3%; 4 homozygotes.

Submissions (17):

CeGaT Center for Human Genetics Tuebingen
Classification: Likely benign. Last evaluated: 2026-05-01. Review status: criteria provided, single submitter. Criteria: CeGaT Center For Human Genetics Tuebingen Variant Classification Criteria Version 2. Collection method: clinical testing. Allele origin: germline. Affected: yes. Observed: 1 variant allele.
Comment: CFH: BP4, BS1

Women's Health and Genetics/Laboratory Corporation of America, LabCorp
Classification: Likely benign. Last evaluated: 2026-02-05. Review status: criteria provided, single submitter. Criteria: LabCorp Variant Classification Summary - May 2015. Collection method: clinical testing. Allele origin: germline.
Comment: Variant summary: CFH c.3050C>T (p.Thr1017Ile) results in a non-conservative amino acid change in the encoded protein sequence. Algorithms developed to predict the effect of missense changes on protein structure and function are either unavailable or do not agree on the potential impact of this missense change. The variant allele was found at a frequency of 0.00099 in 251420 control chromosomes, predominantly at a frequency of 0.014 within the African or African-American subpopulation in the gnomAD database, including 2 homozygotes. The observed variant frequency within African or African-American control individuals in the gnomAD database exceeds the estimated maximal expected allele frequency for disease-causing variants in CFH. c.3050C>T has been observed in individual(s) affected with atypical hemolytic uremic syndrome and C3 glomerulopathy (Geerlings_2018). These report(s) do not provide unequivocal conclusions about association of the variant with Factor H deficiency. At least one publication reports experimental evidence evaluating an impact on protein function. These results showed no damaging effect of this variant (Merinero_2021). The following publications have been ascertained in the context of this evaluation (PMID: 29888403, 34189567). ClinVar contains an entry for this variant (Variation ID: 294515). Based on the evidence outlined above, the variant was classified as likely benign.

Labcorp Genetics (formerly Invitae), Labcorp
Classification: Benign. Last evaluated: 2026-02-01. Review status: criteria provided, single submitter. Criteria: Invitae Variant Classification Sherloc (09022015). Collection method: clinical testing. Allele origin: germline.

Genomenon, Inc
Classification: Benign for Basal laminar drusen; Age related macular degeneration 4; Atypical hemolytic-uremic syndrome; Factor H deficiency. Last evaluated: 2025-10-02. Review status: criteria provided, single submitter. Criteria: Genomenon Sequence Variant Interpretation Standards - Updated. Collection method: curation. Allele origin: germline. Affected: no.
Comment: CFH p.Thr1017Ile (c.3050C>T) is a missense variant that changes the amino acid at residue 1017 from Threonine to Isoleucine. This variant is present at high allele frequency in population databases. In conclusion, we classify CFH p.Thr1017Ile (c.3050C>T) as a benign variant.

Blueprint Genetics
Classification: Likely benign. Last evaluated: 2024-05-31. Review status: criteria provided, single submitter. Criteria: ACMG Guidelines, 2015. Collection method: clinical testing. Allele origin: germline.

Mayo Clinic Laboratories, Mayo Clinic
Classification: Benign. Last evaluated: 2024-03-06. Review status: criteria provided, single submitter. Criteria: ACMG Guidelines, 2015. Collection method: clinical testing. Allele origin: germline. Observed: 20 variant alleles.
Comment: BS1, BS2, BP4

Genome-Nilou Lab
Classification: Likely benign for Hemolytic uremic syndrome, atypical, susceptibility to, 1. Last evaluated: 2023-04-11. Review status: criteria provided, single submitter. Criteria: ACMG Guidelines, 2015. Collection method: clinical testing. Allele origin: germline. Affected: no.

Genome-Nilou Lab
Classification: Likely benign for Age related macular degeneration 4. Last evaluated: 2023-04-11. Review status: criteria provided, single submitter. Criteria: ACMG Guidelines, 2015. Collection method: clinical testing. Allele origin: germline. Affected: no.

Genome-Nilou Lab
Classification: Likely benign for Basal laminar drusen. Last evaluated: 2023-04-11. Review status: criteria provided, single submitter. Criteria: ACMG Guidelines, 2015. Collection method: clinical testing. Allele origin: germline. Affected: no.

Genome-Nilou Lab
Classification: Likely benign for Factor H deficiency. Last evaluated: 2023-04-11. Review status: criteria provided, single submitter. Criteria: ACMG Guidelines, 2015. Collection method: clinical testing. Allele origin: germline. Affected: no.

Illumina Laboratory Services, Illumina
Classification: Benign for Hemolytic uremic syndrome, atypical, susceptibility to, 1. Last evaluated: 2018-01-13. Review status: criteria provided, single submitter. Criteria: ICSL Variant Classification Criteria 13 December 2019. Collection method: clinical testing. Allele origin: germline.
Comment: This variant was observed in the ICSL laboratory as part of a predisposition screen in an ostensibly healthy population. It had not been previously curated by ICSL or reported in the Human Gene Mutation Database (HGMD: prior to June 1st, 2018), and was therefore a candidate for classification through an automated scoring system. Utilizing variant allele frequency, disease prevalence and penetrance estimates, and inheritance mode, an automated score was calculated to assess if this variant is too frequent to cause the disease. Based on the score and internal cut-off values, a variant classified as benign is not then subjected to further curation. The score for this variant resulted in a classification of benign for this disease.

Illumina Laboratory Services, Illumina
Classification: Benign for Membranoproliferative glomerulonephritis with complement factor h deficiency. Last evaluated: 2018-01-13. Review status: criteria provided, single submitter. Criteria: ICSL Variant Classification Criteria 13 December 2019. Collection method: clinical testing. Allele origin: germline.
Comment: the same text as in the submission from Illumina Laboratory Services, Illumina above.

Illumina Laboratory Services, Illumina
Classification: Benign for Age related macular degeneration 4. Last evaluated: 2018-01-13. Review status: criteria provided, single submitter. Criteria: ICSL Variant Classification Criteria 13 December 2019. Collection method: clinical testing. Allele origin: germline.
Comment: the same text as in the submission from Illumina Laboratory Services, Illumina above.

Illumina Laboratory Services, Illumina
Classification: Likely benign for Basal laminar drusen. Last evaluated: 2018-01-13. Review status: criteria provided, single submitter. Criteria: ICSL Variant Classification Criteria 13 December 2019. Collection method: clinical testing. Allele origin: germline.
Comment: This variant was observed in the ICSL laboratory as part of a predisposition screen in an ostensibly healthy population. It had not been previously curated by ICSL or reported in the Human Gene Mutation Database (HGMD: prior to June 1st, 2018), and was therefore a candidate for classification through an automated scoring system. Utilizing variant allele frequency, disease prevalence and penetrance estimates, and inheritance mode, an automated score was calculated to assess if this variant is too frequent to cause the disease. Based on the score and internal cut-off values, a variant classified as likely benign is not then subjected to further curation. The score for this variant resulted in a classification of likely benign for this disease.

PreventionGenetics, part of Exact Sciences
Classification: Likely benign for CFH-related condition. Last evaluated: 2019-09-20. Review status: no assertion criteria provided. Collection method: clinical testing. Allele origin: germline. Not counted in ClinVar's aggregate classification.
Comment: This variant is classified as likely benign based on ACMG/AMP sequence variant interpretation guidelines (Richards et al. 2015 PMID: 25741868, with internal and published modifications).

Clinical Genetics DNA and cytogenetics Diagnostics Lab, Erasmus MC, Erasmus Medical Center
Classification: Benign. Review status: no assertion criteria provided. Collection method: clinical testing. Allele origin: germline. Affected: yes. Study: VKGL Data-share Consensus. Not counted in ClinVar's aggregate classification.

Clinical Genetics, Academic Medical Center
Classification: Benign. Review status: no assertion criteria provided. Collection method: clinical testing. Allele origin: germline. Affected: yes. Study: VKGL Data-share Consensus. Not counted in ClinVar's aggregate classification.

Literature cited by the submitters: PubMed 34189567 (cited by Women's Health and Genetics/Laboratory Corporation of America, LabCorp); PubMed 29888403 (cited by Women's Health and Genetics/Laboratory Corporation of America, LabCorp).